The following is an entry in ClinVar:

ClinVar aggregate classification (germline): Uncertain significance (1 of 4 stars; one submission).

gnomAD v4.1: 1 of 1,614,014 alleles (0.000062%); highest among the groups gnomAD compares: Non-Finnish European, 0.000085%; no homozygotes.

Submission:

GeneDx
Classification: Uncertain significance. Last evaluated: 2024-06-04. Review status: criteria provided, single submitter. Criteria: GeneDx Variant Classification Process June 2021. Collection method: clinical testing. Allele origin: germline. Affected: yes.
Comment: Not observed at significant frequency in large population cohorts (gnomAD); In silico analysis indicates that this missense variant does not alter protein structure/function; Has not been previously published as pathogenic or benign to our knowledge

NM_000080.4(CHRNE):c.97A>C (p.Asn33His)

Genes: C17orf107 (chromosome 17 open reading frame 107; plus strand), CHRNE (cholinergic receptor nicotinic epsilon subunit; minus strand). Cytogenetic location: 17p13.2.
Variant type: single nucleotide variant.
Coding change: c.97A>C on transcript NM_000080.4 (MANE Select); coding-DNA position 97, A replaced by C.
Protein change: p.Asn33His; replaces asparagine 33 with histidine.
Molecular consequence: missense variant. On other transcripts: 3 prime UTR variant (1).
Genome position (GRCh38, 1-based): chr17:4,902,713, T>G on the plus strand (A>C on the coding strand, the complement: CHRNE is on the minus strand). VCF-style: chr17-4902713-T-G. GRCh37 (hg19) VCF-style: chr17-4806008-T-G.
Other names: c.*2180T>G (NM_001145536.2); short protein forms N33H.
Identifiers: ClinVar variation 3384641 (VCV003384641.1).